The following is an entry in ClinVar:

NM_000322.5(PRPH2):c.618_626del (p.Asp207_Val209del)

Gene: PRPH2 (peripherin 2; minus strand). Cytogenetic location: 6p21.1.
Variant type: Deletion.
Coding change: c.618_626del on transcript NM_000322.5 (MANE Select); coding-DNA positions 618 to 626, 9 bases deleted (GGACGGCGT; older notation c.618_626delGGACGGCGT).
Protein change: p.Asp207_Val209del.
Molecular consequence: inframe deletion.
Genome position (GRCh38, 1-based): chr6:42,704,567-42,704,575, ACGCCGTCC deleted on the plus strand (GGACGGCGT on the coding strand, the reverse complement: PRPH2 is on the minus strand); deleting any 9 consecutive bases within chr6:42,704,567-42,704,577 gives the same sequence; the c. name uses the placement nearest the transcript's 3' end. VCF-style (leftmost placement, unchanged base first): chr6-42704566-GACGCCGTCC-G. GRCh37 (hg19) VCF-style: chr6-42672304-GACGCCGTCC-G.
Identifiers: ClinVar variation 1175222 (VCV001175222.1), dbSNP rs2152005362, ClinGen allele CA2499218278.

ClinVar aggregate classification (germline): Likely pathogenic (0 of 4 stars; one submission).

Submission:

Leiden Open Variation Database
Classification: Likely pathogenic. Last evaluated: 2021-04-06. Review status: no assertion criteria provided. Collection method: curation. Allele origin: germline. Affected: yes.
Comment: Curator: Global Variome, with Curator vacancy. Submitter to LOVD: Manon Peeters.

Literature cited by the submitters: PubMed 18356930.